The following is an entry in ClinVar:

NM_020928.2(ZSWIM6):c.325A>G (p.Ile109Val)

Gene: ZSWIM6 (zinc finger SWIM-type containing 6; plus strand). Cytogenetic location: 5q12.1.
Variant type: single nucleotide variant.
Coding change: c.325A>G on transcript NM_020928.2 (MANE Select); coding-DNA position 325, A replaced by G.
Protein change: p.Ile109Val; replaces isoleucine 109 with valine.
Molecular consequence: missense variant.
Genome position (GRCh38, 1-based): chr5:61,332,597, A>G. VCF-style: chr5-61332597-A-G. GRCh37 (hg19) VCF-style: chr5-60628424-A-G.
Other names: short protein forms I109V.
Identifiers: ClinVar variation 1307715 (VCV001307715.2), dbSNP rs1200766544, ClinGen allele CA359940461.
Genomic context (GRCh38, chr5:61,332,597, plus strand): 5'-TGGCCGTTCCAGCGCGTGGAGGAGCGCTTTGAGCGCATCCCGGAGCCGGTGCAGCGCCGC[A>G]TAGTCTATTGGTCCTTCCCCCGCAGCGAGCGGGAGATCTGCATGTACTCGTCCTTCAACA-3'
Protein context (NP_065979.1, residues 99-119): ERIPEPVQRR[Ile109Val]VYWSFPRSER

ClinVar aggregate classification (germline): Uncertain significance (1 of 4 stars; one submission).

Allele frequency attached by ClinVar (database versions not stated): gnomAD exomes below 0.00001; gnomAD 0.00001.
gnomAD v4.1: 3 of 1,325,662 alleles (0.00023%); highest among the groups gnomAD compares: African/African-American, 0.0016%; no homozygotes.

Submission:

GeneDx
Classification: Uncertain significance. Last evaluated: 2019-08-14. Review status: criteria provided, single submitter. Criteria: GeneDx Variant Classification Process June 2021. Collection method: clinical testing. Allele origin: germline. Affected: yes.
Comment: In silico analysis, which includes protein predictors and evolutionary conservation, supports that this variant does not alter protein structure/function; Has not been previously published as pathogenic or benign to our knowledge